The following is an entry in ClinVar:

ClinVar aggregate classification (germline): Uncertain significance (1 of 4 stars; one submission).

Conditions:
Hereditary breast ovarian cancer syndrome. Also called: Hereditary breast and ovarian cancer syndrome (HBOC); Breast and ovarian cancer; Hereditary breast and ovarian cancer syndrome; Hereditary breast and ovarian cancer; Hereditary breast and/or ovarian cancer syndrome; BRCA1- and BRCA2-Associated Hereditary Breast and Ovarian Cancer. Identifiers: Orphanet 145, MedGen C0677776, MeSH D061325, MONDO:0003582. Disease mechanism: loss of function.

Submission:

Labcorp Genetics (formerly Invitae), Labcorp
Classification: Uncertain significance for Hereditary breast ovarian cancer syndrome. Last evaluated: 2020-10-27. Review status: criteria provided, single submitter. Criteria: Invitae Variant Classification Sherloc (09022015). Collection method: clinical testing. Allele origin: germline.
Comment: Experimental studies and prediction algorithms are not available or were not evaluated, and the functional significance of this variant is currently unknown. In summary, the available evidence is currently insufficient to determine the role of this variant in disease. Therefore, it has been classified as a Variant of Uncertain Significance. This variant has not been reported in the literature in individuals with BRCA2-related conditions. This variant, c.4209_4211del, results in the deletion of 1 amino acid(s) of the BRCA2 protein (p.Ser1404del), but otherwise preserves the integrity of the reading frame. This variant is not present in population databases (ExAC no frequency).

NM_000059.4(BRCA2):c.4209_4211del (p.Ser1404del)

Gene: BRCA2 (BRCA2 DNA repair associated; plus strand). Cytogenetic location: 13q13.1.
Variant type: Deletion.
Coding change: c.4209_4211del on transcript NM_000059.4 (MANE Select); coding-DNA positions 4209 to 4211, 3 bases deleted (TTC; older notation c.4209_4211delTTC).
Protein change: p.Ser1404del; deletes serine 1404.
Molecular consequence: inframe deletion.
Genome position (GRCh38, 1-based): chr13:32,338,564-32,338,566, TTC deleted; deleting any 3 consecutive bases within chr13:32,338,563-32,338,566 gives the same sequence; the c. name uses the placement nearest the transcript's 3' end. VCF-style (leftmost placement, unchanged base first): chr13-32338562-ACTT-A. GRCh37 (hg19) VCF-style: chr13-32912699-ACTT-A.
Other names: short protein forms S1404del.
Identifiers: ClinVar variation 1043114 (VCV001043114.9), dbSNP rs2072498877, ClinGen allele CA2082809396.